The following is an entry in ClinVar:

ClinVar aggregate classification (germline): Uncertain significance. Review status: reviewed by expert panel (3 of 4 stars). 5 submissions from 5 submitters: Uncertain significance (1). 4 of the submissions do not count toward it. Last evaluated 2026-07-20.

Conditions:
Nephronophthisis. Also called: Juvenile Nephronophthisis. Identifiers: Orphanet 655, MedGen C0687120, MONDO:0019005, HP:0000090.
Meckel-Gruber syndrome. Also called: DYSENCEPHALIA SPLANCHNOCYSTICA; GRUBER SYNDROME; Dysencephalia splachnocystica. Identifiers: Orphanet 564, MedGen C0265215, MONDO:0018921.
Joubert syndrome. Also called: JOUBERT-BOLTSHAUSER SYNDROME; Familial aplasia of the vermis. Identifiers: Orphanet 475, MedGen C5979921, MONDO:0018772.
CEP290-related disorder. Also called: CEP290-related disorders; CEP290-related condition. Identifiers: MedGen CN239314.
CEP290-related ciliopathy. Also called: CEP290 ciliopathy. Identifiers: MedGen CN305601, MONDO:0100451.

Submissions (5):

ClinGen Leber Congenital Amaurosis/early Onset Retinal Dystrophy Variant Curation Expert Panel, ClinGen
Classification: Uncertain significance for CEP290-related ciliopathy. Last evaluated: 2026-07-20. Review status: reviewed by expert panel. Criteria: ClinGen LCAeoRD ACMG Specifications CEP290 V1.0.0. Collection method: curation. Allele origin: germline. Inheritance: Autosomal recessive inheritance.
Comment: NM_025114.4(CEP290):c.7411_7412del (p.Glu2471fs) is a frameshift variant that introduces a premature stop codon at residue 2475, which is C-terminal of position 2454 of CEP290 and is predicted not to trigger nonsense-mediated decay but rather to C-terminally truncate part of the protein product that has not yet been functionally characterized (PVS1_Moderate). This variant is present in gnomAD v4.1.1 at a total allele frequency of 0.000003, with 5 alleles / 1,598,904 total alleles, which is lower than the ClinGen LCA/eoRD VCEP PM2_Supporting threshold of <0.0006 (PM2_Supporting). This variant has been reported in ClinVar in at least 1 individual in an unspecified state of zygosity, however, it is not clear whether the patient was affected, so PM3_Supporting was not met (ClinVar Accession #: SCV003520074.1). In summary, this variant meets the criteria to be classified as a Variant of Uncertain Significance for CEP290-related ciliopathy based on the ACMG/AMP criteria applied, as specified by the ClinGen LCA/eoRD VCEP: PVS1_Moderate and PM2_Supporting. (LCA/eoRD VCEP Specifications for CEP290 Version 1.0.0)

PreventionGenetics, part of Exact Sciences
Classification: Uncertain significance for CEP290-related condition. Last evaluated: 2024-12-16. Review status: criteria provided, single submitter. Criteria: ACMG Guidelines, 2015. Collection method: clinical testing. Allele origin: germline. Not counted in ClinVar's aggregate classification.
Comment: The CEP290 c.7411_7412delGA variant is predicted to result in a frameshift and premature protein termination (p.Glu2471Lysfs*4). This variant falls within the terminal exon of CEP290 near the stop codon and is predicted to truncate the protein by four amino acids. To our knowledge, this variant has not been reported in the literature. This variant is reported in 0.011% of alleles in individuals of African descent in gnomAD. At this time, the clinical significance of this variant is uncertain due to the absence of conclusive functional and genetic evidence.

Labcorp Genetics (formerly Invitae), Labcorp
Classification: Uncertain significance for Joubert syndrome; Meckel-Gruber syndrome; Nephronophthisis. Last evaluated: 2022-02-24. Review status: criteria provided, single submitter. Criteria: Invitae Variant Classification Sherloc (09022015). Collection method: clinical testing. Allele origin: germline. Not counted in ClinVar's aggregate classification.
Comment: This sequence change creates a premature translational stop signal (p.Glu2471Lysfs*4) in the CEP290 gene. While this is not anticipated to result in nonsense mediated decay, it is expected to disrupt the last 9 amino acid(s) of the CEP290 protein. This variant is present in population databases (no rsID available, gnomAD 0.01%). This variant has not been reported in the literature in individuals affected with CEP290-related conditions. ClinVar contains an entry for this variant (Variation ID: 1307943). Experimental studies and prediction algorithms are not available or were not evaluated, and the functional significance of this variant is currently unknown. In summary, the available evidence is currently insufficient to determine the role of this variant in disease. Therefore, it has been classified as a Variant of Uncertain Significance.

Blueprint Genetics
Classification: Uncertain significance. Last evaluated: 2021-12-24. Review status: criteria provided, single submitter. Criteria: ACMG Guidelines, 2015. Collection method: clinical testing. Allele origin: germline. Not counted in ClinVar's aggregate classification.

GeneDx
Classification: Uncertain significance. Last evaluated: 2019-08-26. Review status: criteria provided, single submitter. Criteria: GeneDx Variant Classification Process June 2021. Collection method: clinical testing. Allele origin: germline. Affected: yes. Not counted in ClinVar's aggregate classification.
Comment: Frameshift variant predicted to result in protein truncation as the last 9 amino acids are lost and replaced with 3 incorrect amino acids, although loss-of-function variants have not been reported downstream of this position in the protein; Not observed at a significant frequency in large population cohorts (Lek et al., 2016); Has not been previously published as pathogenic or benign to our knowledge

NM_025114.4(CEP290):c.7411_7412del (p.Glu2471fs)

Genes: RLIG1 (RNA 5'-phosphate and 3'-OH ligase 1; plus strand), CEP290 (centrosomal protein 290; minus strand). Cytogenetic location: 12q21.32.
Variant type: Deletion.
Coding change: c.7411_7412del on transcript NM_025114.4 (MANE Select); coding-DNA positions 7411 to 7412, 2 bases deleted (GA; older notation c.7411_7412delGA).
Protein change: p.Glu2471fs; shifts the reading frame from glutamic acid 2471.
Molecular consequence: frameshift variant. On other transcripts: 3 prime UTR variant (1).
Genome position (GRCh38, 1-based): chr12:88,049,212-88,049,213, TC deleted on the plus strand (GA on the coding strand, the reverse complement: CEP290 is on the minus strand); deleting any 2 consecutive bases within chr12:88,049,212-88,049,214 gives the same sequence; the c. name uses the placement nearest the transcript's 3' end. VCF-style (leftmost placement, unchanged base first): chr12-88049211-TTC-T. GRCh37 (hg19) VCF-style: chr12-88442988-TTC-T.
Other names: NM_025114.4(CEP290):c.7411_7412del; p.Glu2471fs; c.*791_*792del (NM_001009894.3); c.7411_7412delGA (NM_025114.3); short protein forms E2471fs.
Identifiers: ClinVar variation 1307943 (VCV001307943.9), dbSNP rs1368325179, ClinGen allele CA606675595.
Genomic context (GRCh38, chr12:88,049,211, plus strand): 5'-ATAGTTAAATGAAACAAAGTTTATAGGTGACCTTTAGTAAATGGGGAAATTAACAGGACT[TTC>T]TTCTTCATCTTCAAACTCTTCAGAAGCAGCAACAGGGCTAGTTAATTCAACTCCCAATTG-3'